The following is an entry in ClinVar:

NM_001142.2(AMELX):c.61C>T (p.Pro21Ser)

Genes: AMELX (amelogenin X-linked; plus strand), ARHGAP6 (Rho GTPase activating protein 6; minus strand). Cytogenetic location: Xp22.2.
Variant type: single nucleotide variant.
Coding change: c.61C>T on transcript NM_001142.2 (MANE Select); coding-DNA position 61, C replaced by T.
Protein change: p.Pro21Ser; replaces proline 21 with serine.
Molecular consequence: missense variant. On other transcripts: intron variant (4).
Genome position (GRCh38, 1-based): chrX:11,296,785, C>T. VCF-style: chrX-11296785-C-T. GRCh37 (hg19) VCF-style: chrX-11314905-C-T.
Other names: c.61C>T, p.Pro21Ser (NM_182680.1); c.589-42078G>A (NM_013427.3, NM_006125.3); c.49-42078G>A (NM_001287242.2); c.55-1451C>T (NM_182681.1); short protein forms P21S.
Identifiers: ClinVar variation 4985455 (VCV004985455.1).
Genomic context (GRCh38, chrX:11,296,785, plus strand): 5'-TCACTCTCTCCCTTCCTCTCTCTTTCTATTCTCCTCCCCTCCTCCCTGTAAAAGCTACCA[C>T]CTCATCCTGGGCACCCTGGTTATATCAACTTCAGCTATGAGGTAATTTTTCTCTTTACTA-3'
Protein context (NP_001133.1, residues 11-31): LGAAFAMPLP[Pro21Ser]HPGHPGYINF

ClinVar aggregate classification (germline): Likely benign (1 of 4 stars; one submission).

Conditions:
AMELX-related disorder. Also called: AMELX-related condition.

gnomAD v4.1: 262 of 1,208,314 alleles (0.022%); highest among the groups gnomAD compares: South Asian, 0.43%; 1 homozygote.

Submission:

PreventionGenetics, part of Exact Sciences
Classification: Likely benign for AMELX-related condition. Last evaluated: 2025-07-08. Review status: criteria provided, single submitter. Criteria: ACMG Guidelines, 2015. Collection method: clinical testing. Allele origin: germline.
Comment: This variant is classified as likely benign based on ACMG/AMP sequence variant interpretation guidelines (Richards et al. 2015 PMID: 25741868, with internal and published modifications).